The following is an entry in ClinVar:

ClinVar aggregate classification (germline): Likely pathogenic (1 of 4 stars; one submission).

Conditions:
Developmental and epileptic encephalopathy 94 (DEE94). Also called: CHD2-Related Neurodevelopmental Disorders; Epileptic encephalopathy, childhood-onset. Identifiers: Orphanet 1942, Orphanet 2382, MedGen C3809278, MONDO:0014150, OMIM 615369.

Allele frequency attached by ClinVar (database versions not stated): gnomAD exomes below 0.00001 and 0.00001; ExAC 0.00001.
gnomAD v4.1: 5 of 1,613,216 alleles (0.00031%); highest among the groups gnomAD compares: South Asian, 0.0022%; no homozygotes.

Submission:

Labcorp Genetics (formerly Invitae), Labcorp
Classification: Likely pathogenic for Developmental and epileptic encephalopathy 94. Last evaluated: 2026-01-12. Review status: criteria provided, single submitter. Criteria: Invitae Variant Classification Sherloc (09022015). Collection method: clinical testing. Allele origin: germline.
Comment: This sequence change replaces threonine, which is neutral and polar, with methionine, which is neutral and non-polar, at codon 573 of the CHD2 protein (p.Thr573Met). This variant is present in population databases (rs780171086, gnomAD 0.003%). This missense change has been observed in individual(s) with epilepsy (internal data). In at least one individual the variant was observed to be de novo. ClinVar contains an entry for this variant (Variation ID: 954256). An algorithm developed to predict the effect of missense changes on protein structure and function (PolyPhen-2) suggests that this variant is likely to be tolerated. This variant disrupts the p.Thr573 amino acid residue in CHD2. Other variant(s) that disrupt this residue have been observed in individuals with CHD2-related conditions (PMID: 36034301), which suggests that this may be a clinically significant amino acid residue. In summary, the currently available evidence indicates that the variant is pathogenic, but additional data are needed to prove that conclusively. Therefore, this variant has been classified as Likely Pathogenic.

Literature cited by the submitters: PubMed 36034301.

NM_001271.4(CHD2):c.1718C>T (p.Thr573Met)

Gene: CHD2 (chromodomain helicase DNA binding protein 2; plus strand). Cytogenetic location: 15q26.1.
Variant type: single nucleotide variant.
Coding change: c.1718C>T on transcript NM_001271.4 (MANE Select); coding-DNA position 1718, C replaced by T.
Protein change: p.Thr573Met; replaces threonine 573 with methionine.
Molecular consequence: missense variant.
Genome position (GRCh38, 1-based): chr15:92,953,572, C>T. VCF-style: chr15-92953572-C-T. GRCh37 (hg19) VCF-style: chr15-93496802-C-T.
Other names: short protein forms T573M.
Identifiers: ClinVar variation 954256 (VCV000954256.10), dbSNP rs780171086, ClinGen allele CA7747846.